The following is an entry in ClinVar:

ClinVar aggregate classification (germline): Likely benign (1 of 4 stars; one submission).

Allele frequency attached by ClinVar (database versions not stated): gnomAD exomes 0.00035; ExAC 0.00076; 1000 Genomes Project 0.00140; 1000 Genomes Project 30x 0.00187; ESP Exome Variant Server 0.00238; TOPMed 0.00269; gnomAD 0.00305.
gnomAD v4.1: 781 of 1,286,448 alleles (0.061%); highest among the groups gnomAD compares: African/African-American, 1%; 3 homozygotes.

Submissions (8):

CeGaT Center for Human Genetics Tuebingen
Classification: Likely benign. Last evaluated: 2022-12-01. Review status: criteria provided, single submitter. Criteria: CeGaT Center For Human Genetics Tuebingen Variant Classification Criteria Version 2. Collection method: clinical testing. Allele origin: germline. Affected: yes. Observed: 1 variant allele.
Comment: NUP210: BP4, BP7

Dr. Peter K. Rogan Lab, Western University
No classification provided (evidence only). Condition: Malignant tumor of urinary bladder. Review status: no classification provided. Collection method: in vitro. Allele origin: not applicable. Functional consequence: retained intron. Not counted in ClinVar's aggregate classification.

Dr. Peter K. Rogan Lab, Western University
No classification provided (evidence only). Condition: Familial cancer of breast. Review status: no classification provided. Collection method: in vitro. Allele origin: not applicable. Functional consequence: retained intron. Not counted in ClinVar's aggregate classification.

Dr. Peter K. Rogan Lab, Western University
No classification provided (evidence only). Condition: Familial cancer of breast. Review status: no classification provided. Collection method: in vitro. Allele origin: not applicable. Functional consequence: retained intron. Not counted in ClinVar's aggregate classification.

Dr. Peter K. Rogan Lab, Western University
No classification provided (evidence only). Condition: Uterine corpus endometrial carcinoma. Review status: no classification provided. Collection method: in vitro. Allele origin: not applicable. Functional consequence: retained intron. Not counted in ClinVar's aggregate classification.

Dr. Peter K. Rogan Lab, Western University
No classification provided (evidence only). Condition: Sarcoma. Review status: no classification provided. Collection method: in vitro. Allele origin: not applicable. Functional consequence: retained intron. Not counted in ClinVar's aggregate classification.

Dr. Peter K. Rogan Lab, Western University
No classification provided (evidence only). Condition: Thymoma. Review status: no classification provided. Collection method: in vitro. Allele origin: not applicable. Functional consequence: retained intron. Not counted in ClinVar's aggregate classification.

Dr. Peter K. Rogan Lab, Western University
No classification provided (evidence only). Condition: Gastric cancer. Review status: no classification provided. Collection method: in vitro. Allele origin: not applicable. Functional consequence: retained intron. Not counted in ClinVar's aggregate classification.

NM_024923.4(NUP210):c.2853G>A (p.Pro951=)

Gene: NUP210 (nucleoporin 210; minus strand). Cytogenetic location: 3p25.1.
Variant type: single nucleotide variant.
Coding change: c.2853G>A on transcript NM_024923.4 (MANE Select); coding-DNA position 2853, G replaced by A.
Protein change: p.Pro951=; no amino-acid change (proline 951 retained).
Molecular consequence: synonymous variant.
Genome position (GRCh38, 1-based): chr3:13,343,286, C>T on the plus strand (G>A on the coding strand, the complement: NUP210 is on the minus strand). VCF-style: chr3-13343286-C-T. GRCh37 (hg19) VCF-style: chr3-13384786-C-T.
Other names: NC_000003.11:g.13384786C>T.
Identifiers: ClinVar variation 2653572 (VCV002653572.25), dbSNP rs113555552, ClinGen allele CA2263688.